The following is an entry in ClinVar:

ClinVar aggregate classification (germline): Uncertain significance. Review status: criteria provided, multiple submitters, no conflicts (2 of 4 stars). 3 submissions from 3 submitters: Uncertain significance (3). Last evaluated 2026-10-19.

Submissions (3):

GeneDx
Classification: Uncertain significance. Last evaluated: 2026-10-19. Review status: criteria provided, single submitter. Criteria: GeneDx Variant Classification Process June 2021. Collection method: clinical testing. Allele origin: germline.
Comment: In-frame deletion of 1 amino acid in a non-repeat region; In silico analysis supports a deleterious effect on protein structure/function; Has not been previously published as pathogenic or benign to our knowledge

Blueprint Genetics
Classification: Uncertain significance. Last evaluated: 2024-09-02. Review status: criteria provided, single submitter. Criteria: ACMG Guidelines, 2015. Collection method: clinical testing. Allele origin: germline.

Labcorp Genetics (formerly Invitae), Labcorp
Classification: Uncertain significance. Last evaluated: 2024-03-01. Review status: criteria provided, single submitter. Criteria: Invitae Variant Classification Sherloc (09022015). Collection method: clinical testing. Allele origin: germline.
Comment: This variant, c.129_131del, results in the deletion of 1 amino acid(s) of the SFTPC protein (p.Val44del), but otherwise preserves the integrity of the reading frame. The frequency data for this variant in the population databases is considered unreliable, as metrics indicate poor data quality at this position in the gnomAD database. This variant has not been reported in the literature in individuals affected with SFTPC-related conditions. ClinVar contains an entry for this variant (Variation ID: 2503267). Experimental studies and prediction algorithms are not available or were not evaluated, and the functional significance of this variant is currently unknown. In summary, the available evidence is currently insufficient to determine the role of this variant in disease. Therefore, it has been classified as a Variant of Uncertain Significance.

NM_001317778.2(SFTPC):c.117GGT[4] (p.Val44del)

Gene: SFTPC (surfactant protein C; plus strand). Cytogenetic location: 8p21.3.
Variant type: Microsatellite.
Coding change: c.117GGT[4] on transcript NM_001317778.2 (MANE Select); four copies in a row of the 3-base unit GGT starting at c.117; the reference has five copies in a row; one copy, 3 bases deleted.
Protein change: p.Val44del; deletes valine 44.
Molecular consequence: inframe deletion. On other transcripts: intron variant (2).
Genome position (GRCh38, 1-based): chr8:22,162,660-22,162,662, GGT deleted; deleting any 3 consecutive bases within chr8:22,162,646-22,162,662 gives the same sequence; the position shown is the placement nearest the transcript's 3' end. VCF-style (leftmost placement, unchanged base first): chr8-22162645-CGTG-C. GRCh37 (hg19) VCF-style: chr8-22020158-CGTG-C.
Other names: c.117GGT[4], p.Val44del (NM_001172357.2, NM_001172410.2, NM_001317780.2 and 8 more transcripts); c.43-434GTG[4] (NM_001385660.1, NM_001317779.2); short protein forms V44del.
Identifiers: ClinVar variation 2503267 (VCV002503267.5), dbSNP rs752666425, ClinGen allele CA4663903.